The following is an entry in ClinVar:

NM_006393.3(NEBL):c.2340T>G (p.Ile780Met)

Gene: NEBL (nebulette; minus strand). Cytogenetic location: 10p12.31.
Variant type: single nucleotide variant.
Coding change: c.2340T>G on transcript NM_006393.3 (MANE Select); coding-DNA position 2340, T replaced by G.
Protein change: p.Ile780Met; replaces isoleucine 780 with methionine.
Molecular consequence: missense variant. On other transcripts: intron variant (9).
Genome position (GRCh38, 1-based): chr10:20,813,945, A>C on the plus strand (T>G on the coding strand, the complement: NEBL is on the minus strand). VCF-style: chr10-20813945-A-C. GRCh37 (hg19) VCF-style: chr10-21102874-A-C.
Other names: c.250-1005T>G (NM_001377326.1, NM_001377327.1, NM_001377328.1); c.358-1005T>G (NM_213569.2, NM_001173484.2, NM_001377322.1); c.301-1005T>G (NM_001377324.1); c.292-1005T>G (NM_001377325.1); c.310-1005T>G (NM_001377323.1); short protein forms I780M.
Identifiers: ClinVar variation 3403999 (VCV003403999.1).

ClinVar aggregate classification (germline): Uncertain significance (1 of 4 stars; one submission).

Submission:

Ambry Genetics
Classification: Uncertain significance. Last evaluated: 2024-07-28. Review status: criteria provided, single submitter. Criteria: Ambry Variant Classification Scheme 2023. Collection method: clinical testing. Allele origin: germline.
Comment: The p.I780M variant (also known as c.2340T>G), located in coding exon 23 of the NEBL gene, results from a T to G substitution at nucleotide position 2340. The isoleucine at codon 780 is replaced by methionine, an amino acid with highly similar properties. This amino acid position is conserved. In addition, this alteration is predicted to be tolerated by in silico analysis. Based on the available evidence, the clinical significance of this variant remains unclear.